The following is an entry in ClinVar:

ClinVar aggregate classification (germline): Conflicting classifications of pathogenicity. Review status: criteria provided, conflicting classifications (1 of 4 stars). 4 submissions from 4 submitters: Uncertain significance (3); Likely benign (1). Last evaluated 2025-09-28.

Conditions:
CODAS syndrome. Also called: CEREBRAL, OCULAR, DENTAL, AURICULAR, AND SKELETAL ANOMALIES SYNDROME. Identifiers: Orphanet 1458, MedGen C1838180, MONDO:0010879, OMIM 600373.
Inborn genetic diseases. Identifiers: MedGen C0950123, MeSH D030342.

Allele frequency attached by ClinVar (database versions not stated): gnomAD 0.00001; TOPMed 0.00004; gnomAD exomes 0.00006; ExAC 0.00008; ESP Exome Variant Server 0.00008.
gnomAD v4.1: 43 of 1,612,930 alleles (0.0027%); highest among the groups gnomAD compares: Admixed American, 0.018%; no homozygotes.

Submissions (4):

Labcorp Genetics (formerly Invitae), Labcorp
Classification: Likely benign. Last evaluated: 2025-09-28. Review status: criteria provided, single submitter. Criteria: Invitae Variant Classification Sherloc (09022015). Collection method: clinical testing. Allele origin: germline.

Blueprint Genetics
Classification: Uncertain significance. Last evaluated: 2024-09-30. Review status: criteria provided, single submitter. Criteria: ACMG Guidelines, 2015. Collection method: clinical testing. Allele origin: germline.

Ambry Genetics
Classification: Uncertain significance for Inborn genetic diseases. Last evaluated: 2021-01-29. Review status: criteria provided, single submitter. Criteria: Ambry Variant Classification Scheme 2023. Collection method: clinical testing. Allele origin: germline.
Comment: The c.1939G>A (p.E647K) alteration is located in exon 13 (coding exon 13) of the LONP1 gene. This alteration results from a G to A substitution at nucleotide position 1939, causing the glutamic acid (E) at amino acid position 647 to be replaced by a lysine (K). The in silico prediction for the p.E647K alteration is inconclusive. Based on insufficient or conflicting evidence, the clinical significance of this alteration remains unclear.

Centre for Mendelian Genomics, University Medical Centre Ljubljana
Classification: Uncertain significance for CODAS syndrome. Last evaluated: 2019-07-17. Review status: criteria provided, single submitter. Criteria: ACMG Guidelines, 2015. Collection method: clinical testing. Allele origin: unknown. Affected: yes.
Comment: This variant was classified as: Uncertain significance. The available evidence favors the pathogenic nature of this variant, however the currently available data is insufficient to conclusively support its pathogenic nature. Thus this variant is classified as Uncertain significance - favor pathogenic. The following ACMG criteria were applied in classifying this variant: PM2,PM3,PP3.

NM_004793.4(LONP1):c.1939G>A (p.Glu647Lys)

Gene: LONP1 (lon peptidase 1, mitochondrial; minus strand). Cytogenetic location: 19p13.3.
Variant type: single nucleotide variant.
Coding change: c.1939G>A on transcript NM_004793.4 (MANE Select); coding-DNA position 1939, G replaced by A.
Protein change: p.Glu647Lys; replaces glutamic acid 647 with lysine.
Molecular consequence: missense variant. On other transcripts: non-coding transcript variant (1).
Genome position (GRCh38, 1-based): chr19:5,696,128, C>T on the plus strand (G>A on the coding strand, the complement: LONP1 is on the minus strand). VCF-style: chr19-5696128-C-T. GRCh37 (hg19) VCF-style: chr19-5696139-C-T.
Other names: c.1351G>A, p.Glu451Lys (NM_001276480.1); c.1939G>A (NM_004793.2); c.1747G>A, p.Glu583Lys (NM_001276479.2); short protein forms E583K, E647K, E451K.
Identifiers: ClinVar variation 931724 (VCV000931724.9), dbSNP rs149596661, ClinGen allele CA9114382.
Genomic context (GRCh38, chr19:5,696,128, plus strand): 5'-GCTTCTCCTGGGCCACGTAGCCCGACACGTTGATCATCTCCATACGGTCTCGCAGCGGCT[C>T]GGGGATGGTGTCCGTGACGTTGGCCGTGCAGATGAACAGCACCTGGGGGCGGCGGCAAGG-3'
Protein context (NP_004784.2, residues 637-657): CTANVTDTIP[Glu647Lys]PLRDRMEMIN